The following is an entry in ClinVar:

ClinVar aggregate classification (germline): Uncertain significance (1 of 4 stars; one submission).

Conditions:
Maple syrup urine disease (MSUD). Identifiers: Orphanet 511, MedGen C0024776, MeSH D008375, MONDO:0009563. Disease mechanism: loss of function.

Allele frequency attached by ClinVar (database versions not stated): TOPMed 0.00001; ExAC 0.00002; gnomAD exomes 0.00003.
gnomAD v4.1: 54 of 1,613,342 alleles (0.0033%); highest among the groups gnomAD compares: East Asian, 0.0045%; no homozygotes.

Submission:

Labcorp Genetics (formerly Invitae), Labcorp
Classification: Uncertain significance for Maple syrup urine disease. Last evaluated: 2022-04-25. Review status: criteria provided, single submitter. Criteria: Invitae Variant Classification Sherloc (09022015). Collection method: clinical testing. Allele origin: germline.
Comment: This sequence change replaces alanine, which is neutral and non-polar, with threonine, which is neutral and polar, at codon 327 of the DBT protein (p.Ala327Thr). This variant is present in population databases (rs754125552, gnomAD 0.01%). This variant has not been reported in the literature in individuals affected with DBT-related conditions. Advanced modeling of protein sequence and biophysical properties (such as structural, functional, and spatial information, amino acid conservation, physicochemical variation, residue mobility, and thermodynamic stability) performed at Invitae indicates that this missense variant is not expected to disrupt DBT protein function. In summary, the available evidence is currently insufficient to determine the role of this variant in disease. Therefore, it has been classified as a Variant of Uncertain Significance.

NM_001918.5(DBT):c.979G>A (p.Ala327Thr)

Gene: DBT (dihydrolipoamide branched chain transacylase E2; minus strand). Cytogenetic location: 1p21.2.
Variant type: single nucleotide variant.
Coding change: c.979G>A on transcript NM_001918.5 (MANE Select); coding-DNA position 979, G replaced by A.
Protein change: p.Ala327Thr; replaces alanine 327 with threonine.
Molecular consequence: missense variant. On other transcripts: non-coding transcript variant (4).
Genome position (GRCh38, 1-based): chr1:100,210,732, C>T on the plus strand (G>A on the coding strand, the complement: DBT is on the minus strand). VCF-style: chr1-100210732-C-T. GRCh37 (hg19) VCF-style: chr1-100676288-C-T.
Other names: c.436G>A, p.Ala146Thr (NM_001399969.1, NM_001399972.1); short protein forms A146T, A327T.
Identifiers: ClinVar variation 2151227 (VCV002151227.1), dbSNP rs754125552, ClinGen allele CA969603.